The following is an entry in ClinVar:

ClinVar aggregate classification (germline): Likely benign. Review status: reviewed by expert panel (3 of 4 stars). 3 submissions from 3 submitters: Likely benign (1). 2 of the submissions do not count toward it. Last evaluated 2024-06-24.

Conditions:
Hereditary thrombocytopenia and hematological cancer predisposition syndrome associated with RUNX1. Also called: PLATELET DISORDER, ASPIRIN-LIKE; RUNX1 Familial Platelet Disorder with Associated Myeloid Malignancies; Familial Platelet Disorder with Propensity to Acute Myelogenous Leukemia; Familial thrombocytopenia with propensity to acute myelogenous leukemia. Identifiers: Orphanet 71290, MedGen C1832388, MeSH C563324, MONDO:0100083, OMIM 601399.
Inborn genetic diseases. Identifiers: MedGen C0950123, MeSH D030342.
Hereditary thrombocytopenia and hematologic cancer predisposition syndrome. Identifiers: Orphanet 71290, MedGen CN281654, MONDO:0011071.

Allele frequency attached by ClinVar (database versions not stated): gnomAD exomes below 0.00001 and 0.00001; ExAC 0.00001.
gnomAD v4.1: 16 of 1,613,542 alleles (0.00099%); highest among the groups gnomAD compares: Admixed American, 0.0017%; no homozygotes.

Submissions (3):

ClinGen Myeloid Malignancy Variant Curation Expert Panel
Classification: Likely benign for Hereditary thrombocytopenia and hematologic cancer predisposition syndrome. Last evaluated: 2024-06-24. Review status: reviewed by expert panel. Criteria: ClinGen MyeloMalig ACMG Specifications v2. Collection method: curation. Allele origin: germline. Inheritance: Autosomal dominant inheritance.
Comment: Synonymous variant (no REVEL score applicable) with SpliceAI score ≤ 0.20 (0.00) (BP4). Evolutionary conservation prediction algorithms predict the site as not being conserved (PhyloP score 1.160 (< 2.0)) (BP7). In summary, this variant meets criteria to be classified as likely benign. ACMG/AMP criteria applied, as specified by the Myeloid Malignancy Variant Curation Expert Panel for RUNX1: BP4, BP7.

Ambry Genetics
Classification: Likely benign for Inborn genetic diseases. Last evaluated: 2025-02-22. Review status: criteria provided, single submitter. Criteria: Ambry Variant Classification Scheme 2023. Collection method: clinical testing. Allele origin: germline. Not counted in ClinVar's aggregate classification.

Labcorp Genetics (formerly Invitae), Labcorp
Classification: Likely benign for Hereditary thrombocytopenia and hematological cancer predisposition syndrome associated with RUNX1. Last evaluated: 2023-12-13. Review status: criteria provided, single submitter. Criteria: Invitae Variant Classification Sherloc (09022015). Collection method: clinical testing. Allele origin: germline. Not counted in ClinVar's aggregate classification.

NM_001754.5(RUNX1):c.333C>G (p.Thr111=)

Gene: RUNX1 (RUNX family transcription factor 1; minus strand). Cytogenetic location: 21q22.12.
Variant type: single nucleotide variant.
Coding change: c.333C>G on transcript NM_001754.5 (MANE Select); coding-DNA position 333, C replaced by G.
Protein change: p.Thr111=; no amino-acid change (threonine 111 retained).
Molecular consequence: synonymous variant.
Genome position (GRCh38, 1-based): chr21:34,886,861, G>C on the plus strand (C>G on the coding strand, the complement: RUNX1 is on the minus strand). VCF-style: chr21-34886861-G-C. GRCh37 (hg19) VCF-style: chr21-36259158-G-C.
Other names: NM_001754.5(RUNX1):c.333C>G; p.Thr111=; c.252C>G, p.Thr84= (NM_001001890.3, NM_001122607.2); c.333C>G (NM_001754.4).
Identifiers: ClinVar variation 1104235 (VCV001104235.11), dbSNP rs774852514, ClinGen allele CA10014549.